The following is an entry in ClinVar:

NM_018975.4(TERF2IP):c.655G>A (p.Ala219Thr)

Gene: TERF2IP (TERF2 interacting protein; plus strand). Cytogenetic location: 16q23.1.
Variant type: single nucleotide variant.
Coding change: c.655G>A on transcript NM_018975.4 (MANE Select); coding-DNA position 655, G replaced by A.
Protein change: p.Ala219Thr; replaces alanine 219 with threonine.
Molecular consequence: missense variant. On other transcripts: non-coding transcript variant (1).
Genome position (GRCh38, 1-based): chr16:75,648,537, G>A. VCF-style: chr16-75648537-G-A. GRCh37 (hg19) VCF-style: chr16-75682435-G-A.
Other names: short protein forms A219T.
Identifiers: ClinVar variation 3455094 (VCV003455094.1).
Genomic context (GRCh38, chr16:75,648,537, plus strand): 5'-GACGCGCCGGTGAGCCCCTCCTCCCAGAAGCTCAAGCGGAAGGCGGAGGAGGACCCGGAG[G>A]CCGCGGATAGCGGGGGTGAGGAGGCTGAGCGCGGGGCCTCGCGGATATCTGCGCGGGTGG-3'
Protein context (NP_061848.2, residues 209-229): LKRKAEEDPE[Ala219Thr]ADSGEPQNKR

ClinVar aggregate classification (germline): Uncertain significance (1 of 4 stars; one submission).

Submission:

Ambry Genetics
Classification: Uncertain significance. Last evaluated: 2024-07-28. Review status: criteria provided, single submitter. Criteria: Ambry Variant Classification Scheme 2023. Collection method: clinical testing. Allele origin: germline.
Comment: The p.A219T variant (also known as c.655G>A), located in coding exon 1 of the TERF2IP gene, results from a G to A substitution at nucleotide position 655. The alanine at codon 219 is replaced by threonine, an amino acid with similar properties. This amino acid position is conserved. In addition, this alteration is predicted to be tolerated by in silico analysis. Based on the available evidence, the clinical significance of this variant remains unclear.